The following is an entry in ClinVar:

NM_001385641.1(SAMD11):c.2407T>C (p.Ser803Pro)

Gene: SAMD11 (sterile alpha motif domain containing 11; plus strand). Cytogenetic location: 1p36.33.
Variant type: single nucleotide variant.
Coding change: c.2407T>C on transcript NM_001385641.1 (MANE Select); coding-DNA position 2407, T replaced by C.
Protein change: p.Ser803Pro; replaces serine 803 with proline.
Molecular consequence: missense variant.
Genome position (GRCh38, 1-based): chr1:944,025, T>C. VCF-style: chr1-944025-T-C. GRCh37 (hg19) VCF-style: chr1-879405-T-C.
Other names: c.2410T>C, p.Ser804Pro (NM_001385640.1); c.1918T>C, p.Ser640Pro (NM_152486.4); short protein forms S640P, S803P, S804P.
Identifiers: ClinVar variation 1353640 (VCV001353640.5), dbSNP rs768539639, ClinGen allele CA337818791.

ClinVar aggregate classification (germline): Uncertain significance (1 of 4 stars; one submission).

Submission:

Labcorp Genetics (formerly Invitae), Labcorp
Classification: Uncertain significance. Last evaluated: 2022-04-01. Review status: criteria provided, single submitter. Criteria: Invitae Variant Classification Sherloc (09022015). Collection method: clinical testing. Allele origin: germline.
Comment: This sequence change replaces serine, which is neutral and polar, with proline, which is neutral and non-polar, at codon 640 of the SAMD11 protein (p.Ser640Pro). This variant is not present in population databases (gnomAD no frequency). This variant has not been reported in the literature in individuals affected with SAMD11-related conditions. Algorithms developed to predict the effect of missense changes on protein structure and function are either unavailable or do not agree on the potential impact of this missense change (SIFT: "Deleterious"; PolyPhen-2: "Probably Damaging"; Align-GVGD: "Class C0"). In summary, the available evidence is currently insufficient to determine the role of this variant in disease. Therefore, it has been classified as a Variant of Uncertain Significance.